The following is an entry in ClinVar:

NM_004360.5(CDH1):c.490C>T (p.Pro164Ser)

Gene: CDH1 (cadherin 1; plus strand). Cytogenetic location: 16q22.1.
Variant type: single nucleotide variant.
Coding change: c.490C>T on transcript NM_004360.5 (MANE Select); coding-DNA position 490, C replaced by T.
Protein change: p.Pro164Ser; replaces proline 164 with serine.
Molecular consequence: missense variant. On other transcripts: 5 prime UTR variant (2).
Genome position (GRCh38, 1-based): chr16:68,808,526, C>T. VCF-style: chr16-68808526-C-T. GRCh37 (hg19) VCF-style: chr16-68842429-C-T.
Other names: c.490C>T, p.Pro164Ser (NM_001317184.2); c.-1126C>T (NM_001317185.2); c.-1330C>T (NM_001317186.2); short protein forms P164S.
Identifiers: ClinVar variation 1744034 (VCV001744034.8), dbSNP rs1597890670, ClinGen allele CA396457732.

ClinVar aggregate classification (germline): Conflicting classifications of pathogenicity. Review status: criteria provided, conflicting classifications (1 of 4 stars). 2 submissions from 2 submitters: Uncertain significance (1); Likely benign (1). Last evaluated 2026-06-22.

Conditions:
Hereditary cancer-predisposing syndrome. Also called: Hereditary Cancer Syndrome; Hereditary neoplastic syndrome; Neoplastic Syndromes, Hereditary; Tumor predisposition. Identifiers: Orphanet 140162, MedGen C0027672, MeSH D009386, MONDO:0015356.
Hereditary diffuse gastric adenocarcinoma (HDGC). Also called: DIFFUSE GASTRIC AND LOBULAR BREAST CANCER SYNDROME. Identifiers: Orphanet 26106, MedGen C1708349, MONDO:0007648, OMIM 137215.

Submissions (2):

Ambry Genetics
Classification: Likely benign for Hereditary cancer-predisposing syndrome. Last evaluated: 2026-06-22. Review status: criteria provided, single submitter. Criteria: Ambry Variant Classification Scheme 2023. Collection method: clinical testing. Allele origin: germline.

Labcorp Genetics (formerly Invitae), Labcorp
Classification: Uncertain significance for Hereditary diffuse gastric adenocarcinoma. Last evaluated: 2022-06-26. Review status: criteria provided, single submitter. Criteria: Invitae Variant Classification Sherloc (09022015). Collection method: clinical testing. Allele origin: germline.
Comment: In summary, the available evidence is currently insufficient to determine the role of this variant in disease. Therefore, it has been classified as a Variant of Uncertain Significance. Algorithms developed to predict the effect of missense changes on protein structure and function output the following: SIFT: "Tolerated"; PolyPhen-2: "Benign"; Align-GVGD: "Class C0". The serine amino acid residue is found in multiple mammalian species, which suggests that this missense change does not adversely affect protein function. This variant has not been reported in the literature in individuals affected with CDH1-related conditions. This variant is not present in population databases (gnomAD no frequency). This sequence change replaces proline, which is neutral and non-polar, with serine, which is neutral and polar, at codon 164 of the CDH1 protein (p.Pro164Ser).